The following is an entry in ClinVar:

ClinVar aggregate classification (germline): Uncertain significance (1 of 4 stars; one submission).

Submission:

Labcorp Genetics (formerly Invitae), Labcorp
Classification: Uncertain significance. Last evaluated: 2022-05-27. Review status: criteria provided, single submitter. Criteria: Invitae Variant Classification Sherloc (09022015). Collection method: clinical testing. Allele origin: germline.
Comment: In summary, the available evidence is currently insufficient to determine the role of this variant in disease. Therefore, it has been classified as a Variant of Uncertain Significance. Algorithms developed to predict the effect of missense changes on protein structure and function (SIFT, PolyPhen-2, Align-GVGD) all suggest that this variant is likely to be tolerated. This variant has not been reported in the literature in individuals affected with CNGA3-related conditions. This variant is not present in population databases (gnomAD no frequency). This sequence change replaces arginine, which is basic and polar, with leucine, which is neutral and non-polar, at codon 170 of the CNGA3 protein (p.Arg170Leu).

NM_001298.3(CNGA3):c.509G>T (p.Arg170Leu)

Gene: CNGA3 (cyclic nucleotide gated channel subunit alpha 3; plus strand). Cytogenetic location: 2q11.2.
Variant type: single nucleotide variant.
Coding change: c.509G>T on transcript NM_001298.3 (MANE Select); coding-DNA position 509, G replaced by T.
Protein change: p.Arg170Leu; replaces arginine 170 with leucine.
Molecular consequence: missense variant.
Genome position (GRCh38, 1-based): chr2:98,389,717, G>T. VCF-style: chr2-98389717-G-T. GRCh37 (hg19) VCF-style: chr2-99006180-G-T.
Other names: c.455G>T, p.Arg152Leu (NM_001079878.2); short protein forms R152L, R170L.
Identifiers: ClinVar variation 1504996 (VCV001504996.8), dbSNP rs775155230, ClinGen allele CA347831537.